The following is an entry in ClinVar:

ClinVar aggregate classification (germline): Likely pathogenic. Review status: criteria provided, multiple submitters, no conflicts (2 of 4 stars). 2 submissions from 2 submitters: Likely pathogenic (2). Last evaluated 2025-04-11.

Conditions:
NDUFAF6-related disorder. Also called: NDUFAF6-related condition.

Submissions (2):

PreventionGenetics, part of Exact Sciences
Classification: Likely pathogenic for NDUFAF6-related condition. Last evaluated: 2025-04-11. Review status: criteria provided, single submitter. Criteria: ACMG Guidelines, 2015. Collection method: clinical testing. Allele origin: germline.
Comment: The NDUFAF6 c.307_308delTC variant is predicted to result in a frameshift and premature protein termination (p.Val104Leufs*2). To our knowledge, this variant has not been reported in the literature. This variant is reported in 0.0018% of alleles in individuals of European (Non-Finnish) descent in gnomAD. Frameshift variants in NDUFAF6 are expected to be pathogenic. This variant is interpreted as likely pathogenic.

GeneDx
Classification: Likely pathogenic. Last evaluated: 2021-03-27. Review status: criteria provided, single submitter. Criteria: GeneDx Variant Classification Process June 2021. Collection method: clinical testing. Allele origin: germline. Affected: yes.
Comment: Frameshift variant predicted to result in protein truncation or nonsense mediated decay in a gene for which loss-of-function is a known mechanism of disease; Not observed at a significant frequency in large population cohorts (Lek et al., 2016); Has not been previously published as pathogenic or benign to our knowledge

NM_152416.4(NDUFAF6):c.307_308del (p.Val104fs)

Gene: NDUFAF6 (NADH:ubiquinone oxidoreductase complex assembly factor 6; plus strand). Cytogenetic location: 8q22.1.
Variant type: Deletion.
Coding change: c.307_308del on transcript NM_152416.4 (MANE Select); coding-DNA positions 307 to 308, 2 bases deleted (TC; older notation c.307_308delTC).
Protein change: p.Val104fs; shifts the reading frame from valine 104.
Molecular consequence: frameshift variant. On other transcripts: 5 prime UTR variant (14), non-coding transcript variant (6).
Genome position (GRCh38, 1-based): chr8:95,035,463-95,035,464, TC deleted; deleting any 2 consecutive bases within chr8:95,035,462-95,035,464 gives the same sequence; the c. name uses the placement nearest the transcript's 3' end. VCF-style (leftmost placement, unchanged base first): chr8-95035461-ACT-A. GRCh37 (hg19) VCF-style: chr8-96047689-ACT-A.
Other names: c.307_308delTC (NM_152416.3, NM_152416.2); c.31_32del, p.Val12fs (NM_001330582.2, NM_001354514.2, NM_001354515.2 and 1 more transcripts); c.151_152del, p.Val52fs (NM_001354516.2); c.-27_-26del (NM_001354517.2, NM_001354518.2, NM_001354519.2 and 1 more transcripts); c.-274_-273del (NM_001354522.2, NM_001354529.2, NM_001354530.2 and 1 more transcripts); c.-343_-342del (NM_001354524.2, NM_001354525.2, NM_001354528.2 and 1 more transcripts); c.-372_-371del (NM_001354527.2, NM_001354531.2); short protein forms V104fs, V12fs, V52fs.
Identifiers: ClinVar variation 214213 (VCV000214213.5), dbSNP rs863223931, ClinGen allele CA321334.